The following is an entry in ClinVar:

ClinVar aggregate classification (germline): Uncertain significance (1 of 4 stars; one submission).

Submission:

Labcorp Genetics (formerly Invitae), Labcorp
Classification: Uncertain significance. Last evaluated: 2026-01-13. Review status: criteria provided, single submitter. Criteria: Invitae Variant Classification Sherloc (09022015). Collection method: clinical testing. Allele origin: germline.
Comment: This sequence change falls in intron 16 of the ARHGEF10 gene. It does not directly change the encoded amino acid sequence of the ARHGEF10 protein. This variant is present in population databases (no rsID available, gnomAD 0.01%). This variant has not been reported in the literature in individuals affected with ARHGEF10-related conditions. Algorithms developed to predict the effect of sequence changes on RNA splicing suggest that this variant may disrupt the consensus splice site. In summary, the available evidence is currently insufficient to determine the role of this variant in disease. Therefore, it has been classified as a Variant of Uncertain Significance.

NM_014629.4(ARHGEF10):c.1822-15_1822-14del

Gene: ARHGEF10 (Rho guanine nucleotide exchange factor 10; plus strand). Cytogenetic location: 8p23.3.
Variant type: Microsatellite.
Coding change: c.1822-15_1822-14del on transcript NM_014629.4 (MANE Select); 15 bases into the intron before coding-DNA position 1822 through 14 bases into the intron before coding-DNA position 1822, 2 bases deleted (GT; older notation c.1822-15_1822-14delGT).
Molecular consequence: intron variant.
Genome position (GRCh38, 1-based): chr8:1,905,556-1,905,557, GT deleted; deleting any 2 consecutive bases within chr8:1,905,553-1,905,557 gives the same sequence; the c. name uses the placement nearest the transcript's 3' end. VCF-style (leftmost placement, unchanged base first): chr8-1905552-CTG-C. GRCh37 (hg19) VCF-style: chr8-1853718-CTG-C.
Other names: c.1705-15_1705-14del (NM_001438092.1, NM_001438093.1); c.1825-15_1825-14del (NM_001438091.1); c.1708-15_1708-14del (NM_001308152.2, NM_001438094.1); c.1822-15_1822-14del (NM_001308153.3).
Identifiers: ClinVar variation 4694597 (VCV004694597.1).